The following is an entry in ClinVar:

NM_000256.3(MYBPC3):c.2368G>A (p.Val790Ile)

Gene: MYBPC3 (myosin binding protein C3; minus strand). Cytogenetic location: 11p11.2.
Variant type: single nucleotide variant.
Coding change: c.2368G>A on transcript NM_000256.3 (MANE Select); coding-DNA position 2368, G replaced by A.
Protein change: p.Val790Ile; replaces valine 790 with isoleucine.
Molecular consequence: missense variant.
Genome position (GRCh38, 1-based): chr11:47,337,735, C>T on the plus strand (G>A on the coding strand, the complement: MYBPC3 is on the minus strand). VCF-style: chr11-47337735-C-T. GRCh37 (hg19) VCF-style: chr11-47359286-C-T.
Other names: short protein forms V790I.
Identifiers: ClinVar variation 4860507 (VCV004860507.1).

ClinVar aggregate classification (germline): Uncertain significance (1 of 4 stars; one submission).

Conditions:
Cardiovascular phenotype. Identifiers: MedGen CN230736.

Submission:

Ambry Genetics
Classification: Uncertain significance for Cardiovascular phenotype. Last evaluated: 2026-04-02. Review status: criteria provided, single submitter. Criteria: Ambry Variant Classification Scheme 2023. Collection method: clinical testing. Allele origin: germline.
Comment: The p.V790I variant (also known as c.2368G>A), located in coding exon 24 of the MYBPC3 gene, results from a G to A substitution at nucleotide position 2368. The valine at codon 790 is replaced by isoleucine, an amino acid with highly similar properties. This amino acid position is conserved. In addition, this alteration is predicted to be tolerated by in silico analysis. Based on the available evidence, the clinical significance of this variant remains unclear.